The following is an entry in ClinVar:

ClinVar aggregate classification (germline): Uncertain significance. Review status: criteria provided, multiple submitters, no conflicts (2 of 4 stars). 3 submissions from 3 submitters: Uncertain significance (3). Last evaluated 2024-12-06.

Conditions:
Hereditary cancer-predisposing syndrome. Also called: Tumor predisposition; Hereditary Cancer Syndrome; Neoplastic Syndromes, Hereditary; Hereditary neoplastic syndrome. Identifiers: Orphanet 140162, MedGen C0027672, MeSH D009386, MONDO:0015356.

gnomAD v4.1: 3 of 1,611,334 alleles (0.00019%); highest among the groups gnomAD compares: South Asian, 0.0022%; no homozygotes.

Submissions (3):

Quest Diagnostics Nichols Institute San Juan Capistrano
Classification: Uncertain significance. Last evaluated: 2024-12-06. Review status: criteria provided, single submitter. Criteria: Quest Diagnostics criteria. Collection method: clinical testing. Allele origin: unknown.
Comment: The RAD50 c.2837A>G (p.Asp946Gly) variant has not been reported in individuals with RAD50-related conditions in the published literature. The frequency of this variant in the general population (Genome Aggregation Database) is uninformative in the assessment of its pathogenicity. Analysis of this variant using bioinformatics tools for the prediction of the effect of amino acid changes on protein structure and function yielded predictions that this variant is benign. Based on the available information, we are unable to determine the clinical significance of this variant.

Labcorp Genetics (formerly Invitae), Labcorp
Classification: Uncertain significance for Hereditary cancer-predisposing syndrome. Last evaluated: 2024-03-02. Review status: criteria provided, single submitter. Criteria: Invitae Variant Classification Sherloc (09022015). Collection method: clinical testing. Allele origin: germline.
Comment: This sequence change replaces aspartic acid, which is acidic and polar, with glycine, which is neutral and non-polar, at codon 946 of the RAD50 protein (p.Asp946Gly). This variant is not present in population databases (gnomAD no frequency). This variant has not been reported in the literature in individuals affected with RAD50-related conditions. ClinVar contains an entry for this variant (Variation ID: 821792). Advanced modeling of protein sequence and biophysical properties (such as structural, functional, and spatial information, amino acid conservation, physicochemical variation, residue mobility, and thermodynamic stability) performed at Invitae indicates that this missense variant is not expected to disrupt RAD50 protein function with a negative predictive value of 80%. In summary, the available evidence is currently insufficient to determine the role of this variant in disease. Therefore, it has been classified as a Variant of Uncertain Significance.

Ambry Genetics
Classification: Uncertain significance for Hereditary cancer-predisposing syndrome. Last evaluated: 2024-02-03. Review status: criteria provided, single submitter. Criteria: Ambry Variant Classification Scheme 2023. Collection method: clinical testing. Allele origin: germline.
Comment: The p.D946G variant (also known as c.2837A>G), located in coding exon 18 of the RAD50 gene, results from an A to G substitution at nucleotide position 2837. The aspartic acid at codon 946 is replaced by glycine, an amino acid with similar properties. This amino acid position is highly conserved through mammals but not in all available vertebrate species. In addition, this alteration is predicted to be tolerated by in silico analysis. Since supporting evidence is limited at this time, the clinical significance of this alteration remains unclear.

NM_005732.4(RAD50):c.2837A>G (p.Asp946Gly)

Gene: RAD50 (RAD50 double strand break repair protein; plus strand). Cytogenetic location: 5q31.1.
Variant type: single nucleotide variant.
Coding change: c.2837A>G on transcript NM_005732.4 (MANE Select); coding-DNA position 2837, A replaced by G.
Protein change: p.Asp946Gly; replaces aspartic acid 946 with glycine.
Molecular consequence: missense variant.
Genome position (GRCh38, 1-based): chr5:132,609,124, A>G. VCF-style: chr5-132609124-A-G. GRCh37 (hg19) VCF-style: chr5-131944816-A-G.
Other names: short protein forms D946G.
Identifiers: ClinVar variation 821792 (VCV000821792.16), dbSNP rs587782311, ClinGen allele CA360959382.